The following is an entry in ClinVar:

ClinVar aggregate classification (germline): Pathogenic (1 of 4 stars; one submission).

Conditions:
Myopathy caused by variation in FKRP. Identifiers: MedGen CN305637, MONDO:0700066.

Submission:

Myriad Genetics, Inc.
Classification: Pathogenic for Myopathy caused by variation in FKRP. Last evaluated: 2026-05-20. Review status: criteria provided, single submitter. Criteria: Myriad Autosomal Dominant, Autosomal Recessive and X-Linked Classification Criteria (2023). Collection method: clinical testing. Allele origin: unknown.
Comment: NM_024301.4(FKRP):c.1234delC(H412Tfs*16) is a frameshift variant classified as pathogenic in the context of FKRP-related disorders. H412Tfs*16 has not been observed in cases with relevant disease. Relevant functional assessments of this variant are not available in the literature. H412Tfs*16 has not been observed in referenced population frequency databases. In summary, NM_024301.4(FKRP):c.1234delC(H412Tfs*16) is a frameshift variant in a gene where loss of function is a known mechanism of disease and is predicted to disrupt protein function. Please note: this variant was assessed in the context of healthy population screening.

NM_024301.5(FKRP):c.1234del (p.His412fs)

Gene: FKRP (fukutin related protein; plus strand). Cytogenetic location: 19q13.32.
Variant type: Deletion.
Coding change: c.1234del on transcript NM_024301.5 (MANE Select); coding-DNA position 1234, one base deleted (C; older notation c.1234delC).
Protein change: p.His412fs; shifts the reading frame from histidine 412.
Molecular consequence: frameshift variant.
Genome position (GRCh38, 1-based): chr19:46,756,684, C deleted; the last of 2 consecutive C bases (chr19:46,756,683-46,756,684); deleting either gives the same sequence. VCF-style (leftmost placement, unchanged base first): chr19-46756682-AC-A. GRCh37 (hg19) VCF-style: chr19-47259939-AC-A.
Other names: c.1234del, p.His412fs (NM_001039885.3); short protein forms H412fs.
Identifiers: ClinVar variation 5004678 (VCV005004678.1).